The following is an entry in ClinVar:

NM_000059.4(BRCA2):c.5284T>A (p.Tyr1762Asn)

Gene: BRCA2 (BRCA2 DNA repair associated; plus strand). Cytogenetic location: 13q13.1.
Variant type: single nucleotide variant.
Coding change: c.5284T>A on transcript NM_000059.4 (MANE Select); coding-DNA position 5284, T replaced by A.
Protein change: p.Tyr1762Asn; replaces tyrosine 1762 with asparagine.
Molecular consequence: missense variant.
Genome position (GRCh38, 1-based): chr13:32,339,639, T>A. VCF-style: chr13-32339639-T-A. GRCh37 (hg19) VCF-style: chr13-32913776-T-A.
Other names: short protein forms Y1762N.
Identifiers: ClinVar variation 495470 (VCV000495470.3), dbSNP rs1192019733, ClinGen allele CA387784767.
Genomic context (GRCh38, chr13:32,339,639, plus strand): 5'-AACAGTAGCATGTCTAACAGCTATTCCTACCATTCTGATGAGGTATATAATGATTCAGGA[T>A]ATCTCTCAAAAAATAAACTTGATTCTGGTATTGAGCCAGTATTGAAGAATGTTGAAGATC-3'
Protein context (NP_000050.3, residues 1752-1772): HSDEVYNDSG[Tyr1762Asn]LSKNKLDSGI

ClinVar aggregate classification (germline): Conflicting classifications of pathogenicity. Review status: criteria provided, conflicting classifications (1 of 4 stars). 2 submissions from 2 submitters: Uncertain significance (1); Likely benign (1). Last evaluated 2023-03-23.

Conditions:
Hereditary cancer-predisposing syndrome. Also called: Hereditary neoplastic syndrome; Tumor predisposition; Hereditary Cancer Syndrome; Neoplastic Syndromes, Hereditary. Identifiers: Orphanet 140162, MedGen C0027672, MeSH D009386, MONDO:0015356.

Submissions (2):

University of Washington Department of Laboratory Medicine, University of Washington
Classification: Likely benign for Hereditary cancer-predisposing syndrome. Last evaluated: 2023-03-23. Review status: criteria provided, single submitter. Criteria: Dines et al. (Genet Med. 2020). Collection method: curation. Allele origin: germline.
Comment: Missense variant in a coldspot region where missense variants are very unlikely to be pathogenic (PMID:31911673).

BRCA2 exon 11 coldspot. Reclassification based on statistical prior probability.

Women's Health and Genetics/Laboratory Corporation of America, LabCorp
Classification: Uncertain significance. Last evaluated: 2016-04-18. Review status: criteria provided, single submitter. Criteria: LabCorp Variant Classification Summary - May 2015. Collection method: clinical testing. Allele origin: germline.
Comment: Variant summary: The c.5284T>A variant in BRCA2 gene is a missense change that involves a non-conserved nucleotide and 2/4 in silico tools predicted benign outcome. The variant is absent in the control population dataset of ExAC. To our knowledge, it has not been previously reported in affected individuals via publications or cited in the databases. Taken together, the variant was classified as VUS until more data becomes available.